The following is an entry in ClinVar:

NM_001364171.2(ODAD1):c.338A>C (p.Gln113Pro)

Gene: ODAD1 (outer dynein arm docking complex subunit 1; minus strand). Cytogenetic location: 19q13.33.
Variant type: single nucleotide variant.
Coding change: c.338A>C on transcript NM_001364171.2 (MANE Select); coding-DNA position 338, A replaced by C.
Protein change: p.Gln113Pro; replaces glutamine 113 with proline.
Molecular consequence: missense variant.
Genome position (GRCh38, 1-based): chr19:48,318,409, T>G on the plus strand (A>C on the coding strand, the complement: ODAD1 is on the minus strand). VCF-style: chr19-48318409-T-G. GRCh37 (hg19) VCF-style: chr19-48821666-T-G.
Other names: c.227A>C, p.Gln76Pro (NM_144577.4); short protein forms Q113P, Q76P.
Identifiers: ClinVar variation 2019326 (VCV002019326.4), dbSNP rs1968956913, ClinGen allele CA406666007.

ClinVar aggregate classification (germline): Uncertain significance (1 of 4 stars; one submission).

Conditions:
Primary ciliary dyskinesia. Also called: Ciliary dyskinesia. Identifiers: Orphanet 244, MedGen C0008780, MONDO:0016575, HP:0012265.

Submission:

Labcorp Genetics (formerly Invitae), Labcorp
Classification: Uncertain significance for Primary ciliary dyskinesia. Last evaluated: 2022-07-23. Review status: criteria provided, single submitter. Criteria: Invitae Variant Classification Sherloc (09022015). Collection method: clinical testing. Allele origin: germline.
Comment: In summary, the available evidence is currently insufficient to determine the role of this variant in disease. Therefore, it has been classified as a Variant of Uncertain Significance. Algorithms developed to predict the effect of missense changes on protein structure and function are either unavailable or do not agree on the potential impact of this missense change (SIFT: "Tolerated"; PolyPhen-2: "Probably Damaging"; Align-GVGD: "Class C0"). This variant has not been reported in the literature in individuals affected with CCDC114-related conditions. This variant is not present in population databases (gnomAD no frequency). This sequence change replaces glutamine, which is neutral and polar, with proline, which is neutral and non-polar, at codon 76 of the CCDC114 protein (p.Gln76Pro).